The following is an entry in ClinVar:

ClinVar aggregate classification (germline): Likely benign (1 of 4 stars; one submission).

Submission:

CeGaT Center for Human Genetics Tuebingen
Classification: Likely benign. Last evaluated: 2025-08-01. Review status: criteria provided, single submitter. Criteria: CeGaT Center For Human Genetics Tuebingen Variant Classification Criteria Version 2. Collection method: clinical testing. Allele origin: germline. Affected: yes. Observed: 1 variant allele.
Comment: CACNA1E: PM2:Supporting, BP4, BP7

NM_001205293.3(CACNA1E):c.4395C>T (p.His1465=)

Gene: CACNA1E (calcium voltage-gated channel subunit alpha1 E; plus strand). Cytogenetic location: 1q25.3.
Variant type: single nucleotide variant.
Coding change: c.4395C>T on transcript NM_001205293.3 (MANE Select); coding-DNA position 4395, C replaced by T.
Protein change: p.His1465=; no amino-acid change (histidine 1465 retained).
Molecular consequence: synonymous variant.
Genome position (GRCh38, 1-based): chr1:181,758,012, C>T. VCF-style: chr1-181758012-C-T. GRCh37 (hg19) VCF-style: chr1-181727148-C-T.
Other names: c.4395C>T, p.His1465= (NM_000721.4); c.4338C>T, p.His1446= (NM_001205294.2).
Identifiers: ClinVar variation 4084280 (VCV004084280.8).